The following is an entry in ClinVar:

ClinVar aggregate classification (germline): Likely benign (1 of 4 stars; one submission).

Allele frequency attached by ClinVar (database versions not stated): gnomAD 0.03039 and 0.03054; 1000 Genomes Project 0.03155; 1000 Genomes Project 30x 0.03061; TOPMed 0.03148.
gnomAD v4.1: 4,651 of 152,278 alleles (3.1%); highest among the groups gnomAD compares: Middle Eastern, 5.8%; 78 homozygotes.

Submission:

GeneDx
Classification: Likely benign. Last evaluated: 2018-06-14. Review status: criteria provided, single submitter. Criteria: GeneDx Variant Classification (06012015). Collection method: clinical testing. Allele origin: germline. Affected: yes.
Comment: This variant is considered likely benign or benign based on one or more of the following criteria: it is a conservative change, it occurs at a poorly conserved position in the protein, it is predicted to be benign by multiple in silico algorithms, and/or has population frequency not consistent with disease.

NM_213569.2(NEBL):c.250-215T>G

Gene: NEBL (nebulette; minus strand). Cytogenetic location: 10p12.31.
Variant type: single nucleotide variant.
Coding change: c.250-215T>G on transcript NM_213569.2; 215 bases into the intron before coding-DNA position 250, T replaced by G.
Molecular consequence: intron variant.
Genome position (GRCh38, 1-based): chr10:20,961,994, A>C on the plus strand (T>G on the coding strand, the complement: NEBL is on the minus strand). VCF-style: chr10-20961994-A-C. GRCh37 (hg19) VCF-style: chr10-21250923-A-C.
Other names: c.142-215T>G (NM_001377326.1, NM_001377327.1, NM_001377328.1); c.250-215T>G (NM_001173484.2, NM_001377322.1); c.193-215T>G (NM_001377324.1); c.184-215T>G (NM_001377325.1); c.202-215T>G (NM_001377323.1).
Identifiers: ClinVar variation 673848 (VCV000673848.3), dbSNP rs73607559, ClinGen allele CA13361986.